The following is an entry in ClinVar:

ClinVar aggregate classification (germline): Uncertain significance (1 of 4 stars; one submission).

Conditions:
Juvenile polyposis syndrome (JPS). Identifiers: Orphanet 2929, MedGen C0345893, MONDO:0017380, OMIM 174900.

Submission:

All of Us Research Program, National Institutes of Health
Classification: Uncertain significance for Juvenile polyposis syndrome. Last evaluated: 2024-07-29. Review status: criteria provided, single submitter. Criteria: ACMG Guidelines, 2015. Collection method: clinical testing. Allele origin: germline. Inheritance: Autosomal dominant inheritance. Observed: 1 variant allele, 1 heterozygote.
Comment: This missense variant replaces glycine with arginine at codon 447 of the BMPR1A protein. Computational prediction suggests that this variant may have deleterious impact on protein structure and function (internally defined REVEL score threshold >= 0.7, PMID: 27666373). To our knowledge, functional studies have not been reported for this variant. This variant has not been reported in individuals affected with BMPR1A-related disorders in the literature. This variant has not been identified in the general population by the Genome Aggregation Database (gnomAD). The available evidence is insufficient to determine the role of this variant in disease conclusively. Therefore, this variant is classified as a Variant of Uncertain Significance.

This study involves interpretation of variants in research participants for the purpose of population health screening. Participant phenotype was not available at the time of variant classification. Additional details can be found in publication PMID: 35346344, PMCID: PMC8962531

NM_004329.3(BMPR1A):c.1339G>A (p.Gly447Arg)

Gene: BMPR1A (bone morphogenetic protein receptor type 1A; plus strand). Cytogenetic location: 10q23.2.
Variant type: single nucleotide variant.
Coding change: c.1339G>A on transcript NM_004329.3 (MANE Select); coding-DNA position 1339, G replaced by A.
Protein change: p.Gly447Arg; replaces glycine 447 with arginine.
Molecular consequence: missense variant. On other transcripts: non-coding transcript variant (3).
Genome position (GRCh38, 1-based): chr10:86,921,692, G>A. VCF-style: chr10-86921692-G-A. GRCh37 (hg19) VCF-style: chr10-88681449-G-A.
Other names: c.1414G>A, p.Gly472Arg (NM_001406559.1); c.1387G>A, p.Gly463Arg (NM_001406560.1); c.1339G>A, p.Gly447Arg (NM_001406561.1, NM_001406562.1, NM_001406563.1 and 19 more transcripts); c.1333G>A, p.Gly445Arg (NM_001406583.1); c.1255G>A, p.Gly419Arg (NM_001406584.1, NM_001406585.1, NM_001406586.1 and 2 more transcripts); c.997G>A, p.Gly333Arg (NM_001406589.1); short protein forms G333R, G419R, G445R, G447R, G463R, G472R.
Identifiers: ClinVar variation 3386035 (VCV003386035.1).
Genomic context (GRCh38, chr10:86,921,692, plus strand): 5'-ATGGCTGACATCTACAGCTTCGGCCTAATCATTTGGGAGATGGCTCGTCGTTGTATCACA[G>A]GAGGTGGGAGTTTGAGTAGTTTCTGATTATGTTGATTTACTCATCATTTTAAAAATAACA-3'
Protein context (NP_004320.2, residues 437-457): IWEMARRCIT[Gly447Arg]GIVEEYQLPY